The following is an entry in ClinVar:

NM_018475.5(TMEM165):c.899-15T>C

Gene: TMEM165 (transmembrane protein 165; plus strand). Cytogenetic location: 4q12.
Variant type: single nucleotide variant.
Coding change: c.899-15T>C on transcript NM_018475.5 (MANE Select); 15 bases into the intron before coding-DNA position 899, T replaced by C.
Molecular consequence: intron variant.
Genome position (GRCh38, 1-based): chr4:55,425,361, T>C. VCF-style: chr4-55425361-T-C. GRCh37 (hg19) VCF-style: chr4-56291528-T-C.
Other names: p.?.
Identifiers: ClinVar variation 349068 (VCV000349068.18), dbSNP rs7660517, ClinGen allele CA2925620.

ClinVar aggregate classification (germline): Benign. Review status: criteria provided, multiple submitters, no conflicts (2 of 4 stars). 5 submissions from 5 submitters: Benign (5). Last evaluated 2026-02-04.

Conditions:
TMEM165-congenital disorder of glycosylation. Also called: CDG IIk; Congenital disorder of glycosylation type 2k; TMEM165-CDG. Identifiers: Orphanet 314667, MedGen C3553571, MONDO:0013870, OMIM 614727.

Allele frequency attached by ClinVar (database versions not stated): ESP Exome Variant Server 0.29476; gnomAD 0.33010 and 0.33783; TOPMed 0.33713; ExAC 0.39981; gnomAD exomes 0.40742.
gnomAD v4.1: 599,966 of 1,600,102 alleles (37%); highest among the groups gnomAD compares: East Asian, 61%; 116,716 homozygotes.

Submissions (5):

Labcorp Genetics (formerly Invitae), Labcorp
Classification: Benign for TMEM165-congenital disorder of glycosylation. Last evaluated: 2026-02-04. Review status: criteria provided, single submitter. Criteria: Invitae Variant Classification Sherloc (09022015). Collection method: clinical testing. Allele origin: germline.

Genome-Nilou Lab
Classification: Benign for TMEM165-congenital disorder of glycosylation. Last evaluated: 2021-09-10. Review status: criteria provided, single submitter. Criteria: ACMG Guidelines, 2015. Collection method: clinical testing. Allele origin: germline. Affected: no.

Mayo Clinic Laboratories, Mayo Clinic
Classification: Benign. Last evaluated: 2018-11-20. Review status: criteria provided, single submitter. Criteria: ACMG Guidelines, 2015. Collection method: clinical testing. Allele origin: germline. Observed: 27 variant alleles.

GeneDx
Classification: Benign. Last evaluated: 2015-12-04. Review status: criteria provided, single submitter. Criteria: GeneDx Variant Classification (06012015). Collection method: clinical testing. Allele origin: germline. Affected: yes.
Comment: This variant is considered likely benign or benign based on one or more of the following criteria: it is a conservative change, it occurs at a poorly conserved position in the protein, it is predicted to be benign by multiple in silico algorithms, and/or has population frequency not consistent with disease.

Breakthrough Genomics
Classification: Benign. Review status: criteria provided, single submitter. Criteria: ACMG Guidelines, 2015. Collection method: not provided. Allele origin: germline. Inheritance: Autosomal recessive inheritance. Affected: yes.